The following is an entry in ClinVar:

NM_001454.4(FOXJ1):c.332A>G (p.Asp111Gly)

Gene: FOXJ1 (forkhead box J1; minus strand). Cytogenetic location: 17q25.1.
Variant type: single nucleotide variant.
Coding change: c.332A>G on transcript NM_001454.4 (MANE Select); coding-DNA position 332, A replaced by G.
Protein change: p.Asp111Gly; replaces aspartic acid 111 with glycine.
Molecular consequence: missense variant.
Genome position (GRCh38, 1-based): chr17:76,140,064, T>C on the plus strand (A>G on the coding strand, the complement: FOXJ1 is on the minus strand). VCF-style: chr17-76140064-T-C. GRCh37 (hg19) VCF-style: chr17-74136145-T-C.
Other names: p.Asp111Gly; short protein forms D111G.
Identifiers: ClinVar variation 3380519 (VCV003380519.1).

ClinVar aggregate classification (germline): Uncertain significance (1 of 4 stars; one submission).

gnomAD v4.1: 1 of 1,608,058 alleles (0.000062%); highest among the groups gnomAD compares: Non-Finnish European, 0.000085%; no homozygotes.

Submission:

Mayo Clinic Laboratories, Mayo Clinic
Classification: Uncertain significance. Last evaluated: 2024-07-09. Review status: criteria provided, single submitter. Criteria: ACMG Guidelines, 2015. Collection method: clinical testing. Allele origin: germline. Observed: 1 variant allele.
Comment: PM2